The following is an entry in ClinVar:

ClinVar aggregate classification (germline): Uncertain significance (1 of 4 stars; one submission).

Allele frequency attached by ClinVar (database versions not stated): ExAC 0.00002; gnomAD 0.00003 and 0.00004; TOPMed 0.00006; ESP Exome Variant Server 0.00025.
gnomAD v4.1: 65 of 1,612,962 alleles (0.004%); highest among the groups gnomAD compares: Non-Finnish European, 0.0053%; no homozygotes.

Submission:

Labcorp Genetics (formerly Invitae), Labcorp
Classification: Uncertain significance. Last evaluated: 2022-09-13. Review status: criteria provided, single submitter. Criteria: Invitae Variant Classification Sherloc (09022015). Collection method: clinical testing. Allele origin: germline.
Comment: This sequence change replaces glutamine, which is neutral and polar, with lysine, which is basic and polar, at codon 1294 of the CARMIL2 protein (p.Gln1294Lys). This variant is present in population databases (rs375315158, gnomAD 0.006%). This variant has not been reported in the literature in individuals affected with CARMIL2-related conditions. ClinVar contains an entry for this variant (Variation ID: 1402865). Advanced modeling of protein sequence and biophysical properties (such as structural, functional, and spatial information, amino acid conservation, physicochemical variation, residue mobility, and thermodynamic stability) performed at Invitae indicates that this missense variant is not expected to disrupt CARMIL2 protein function. In summary, the available evidence is currently insufficient to determine the role of this variant in disease. Therefore, it has been classified as a Variant of Uncertain Significance.

NM_001013838.3(CARMIL2):c.3880C>A (p.Gln1294Lys)

Gene: CARMIL2 (capping protein regulator and myosin 1 linker 2; plus strand). Cytogenetic location: 16q22.1.
Variant type: single nucleotide variant.
Coding change: c.3880C>A on transcript NM_001013838.3 (MANE Select); coding-DNA position 3880, C replaced by A.
Protein change: p.Gln1294Lys; replaces glutamine 1294 with lysine.
Molecular consequence: missense variant.
Genome position (GRCh38, 1-based): chr16:67,656,489, C>A. VCF-style: chr16-67656489-C-A. GRCh37 (hg19) VCF-style: chr16-67690392-C-A.
Other names: c.3772C>A, p.Gln1258Lys (NM_001317026.3); short protein forms Q1258K, Q1294K.
Identifiers: ClinVar variation 1402865 (VCV001402865.5), dbSNP rs375315158, ClinGen allele CA8114201.
Genomic context (GRCh38, chr16:67,656,489, plus strand): 5'-TCCTGCAGACCTGGCCCAGGGAGCCAGGGGCCTGAGTCTGCCACCTGGAAGACACTGGGG[C>A]AGCAGTTGAATGCGGAGCTCAGGAGCCGTGGTTGGGGCCAACAGGATGGTCCAGGCCCTC-3'
Protein context (NP_001013860.1, residues 1284-1304): PESATWKTLG[Gln1294Lys]QLNAELRSRG